The following is an entry in ClinVar:

NM_001953.5(TYMP):c.214+1G>T

Gene: TYMP (thymidine phosphorylase; minus strand). Cytogenetic location: 22q13.33.
Variant type: single nucleotide variant.
Coding change: c.214+1G>T on transcript NM_001953.5 (MANE Select); the canonical splice donor site of the intron after coding-DNA position 214, G replaced by T.
Molecular consequence: splice donor variant.
Genome position (GRCh38, 1-based): chr22:50,529,495, C>A on the plus strand (G>T on the coding strand, the complement: TYMP is on the minus strand). VCF-style: chr22-50529495-C-A. GRCh37 (hg19) VCF-style: chr22-50967924-C-A.
Other names: c.214+1G>T (NM_001257989.1, NM_001257988.1, NM_001113755.3 and 1 more transcripts).
Identifiers: ClinVar variation 1509692 (VCV001509692.9), dbSNP rs1200609783, ClinGen allele CA412202426.

ClinVar aggregate classification (germline): Likely pathogenic. Review status: criteria provided, multiple submitters, no conflicts (2 of 4 stars). 2 submissions from 2 submitters: Likely pathogenic (2). Last evaluated 2023-07-20.

Conditions:
Mitochondrial DNA depletion syndrome 1. Also called: Mitochondrial neurogastrointestinal encephalomyopathy syndrome; Mitochondrial Neurogastrointestinal Encephalopathy Disease; MITOCHONDRIAL NEUROGASTROINTESTINAL ENCEPHALOPATHY SYNDROME, TYMP-RELATED; MNGIE, TYMP-RELATED; POLIP SYNDROME; POLYNEUROPATHY, OPHTHALMOPLEGIA, LEUKOENCEPHALOPATHY, AND INTESTINAL PSEUDOOBSTRUCTION. Identifiers: Orphanet 298, MedGen C4551995, MONDO:0011283, OMIM 603041.

Submissions (2):

Labcorp Genetics (formerly Invitae), Labcorp
Classification: Likely pathogenic. Last evaluated: 2023-07-20. Review status: criteria provided, single submitter. Criteria: Invitae Variant Classification Sherloc (09022015). Collection method: clinical testing. Allele origin: germline.
Comment: In summary, the currently available evidence indicates that the variant is pathogenic, but additional data are needed to prove that conclusively. Therefore, this variant has been classified as Likely Pathogenic. Algorithms developed to predict the effect of sequence changes on RNA splicing suggest that this variant may disrupt the consensus splice site. ClinVar contains an entry for this variant (Variation ID: 1509692). This variant has not been reported in the literature in individuals affected with TYMP-related conditions. This variant is not present in population databases (gnomAD no frequency). This sequence change affects a donor splice site in intron 2 of the TYMP gene. It is expected to disrupt RNA splicing. Variants that disrupt the donor or acceptor splice site typically lead to a loss of protein function (PMID: 16199547), and loss-of-function variants in TYMP are known to be pathogenic (PMID: 9924029, 15781193).

Fulgent Genetics
Classification: Likely pathogenic for Mitochondrial DNA depletion syndrome 1. Last evaluated: 2022-01-05. Review status: criteria provided, single submitter. Criteria: ACMG Guidelines, 2015. Collection method: clinical testing. Allele origin: unknown.

Literature cited by the submitters: PubMed 16199547 (cited by Labcorp Genetics (formerly Invitae), Labcorp); PubMed 9924029 (cited by Labcorp Genetics (formerly Invitae), Labcorp); PubMed 15781193 (cited by Labcorp Genetics (formerly Invitae), Labcorp).